The following is an entry in ClinVar:

ClinVar aggregate classification (germline): Pathogenic/Likely pathogenic. Review status: criteria provided, multiple submitters, no conflicts (2 of 4 stars). 2 submissions from 2 submitters: Pathogenic (1); Likely pathogenic (1). Last evaluated 2024-02-29.

Conditions:
Propionic acidemia (PROP). Also called: KETOTIC HYPERGLYCINEMIA; GLYCINEMIA, KETOTIC; HYPERGLYCINEMIA WITH KETOACIDOSIS AND LEUKOPENIA. Identifiers: Orphanet 35, MedGen C0268579, MONDO:0011628, OMIM 606054, HP:0003571.

Allele frequency attached by ClinVar (database versions not stated): TOPMed below 0.00001.

Submissions (2):

Fulgent Genetics
Classification: Likely pathogenic for Propionic acidemia. Last evaluated: 2024-02-29. Review status: criteria provided, single submitter. Criteria: ACMG Guidelines, 2015. Collection method: clinical testing. Allele origin: germline.

Labcorp Genetics (formerly Invitae), Labcorp
Classification: Pathogenic for Propionic acidemia. Last evaluated: 2022-02-03. Review status: criteria provided, single submitter. Criteria: Invitae Variant Classification Sherloc (09022015). Collection method: clinical testing. Allele origin: germline.
Comment: For these reasons, this variant has been classified as Pathogenic. ClinVar contains an entry for this variant (Variation ID: 1071149). This variant has not been reported in the literature in individuals affected with PCCA-related conditions. This variant is not present in population databases (gnomAD no frequency). This sequence change creates a premature translational stop signal (p.Glu397*) in the PCCA gene. It is expected to result in an absent or disrupted protein product. Loss-of-function variants in PCCA are known to be pathogenic (PMID: 15464417).

Literature cited by the submitters: PubMed 15464417 (cited by Labcorp Genetics (formerly Invitae), Labcorp).

NM_000282.4(PCCA):c.1189G>T (p.Glu397Ter)

Gene: PCCA (propionyl-CoA carboxylase subunit alpha; plus strand). Cytogenetic location: 13q32.3.
Variant type: single nucleotide variant.
Coding change: c.1189G>T on transcript NM_000282.4 (MANE Select); coding-DNA position 1189, G replaced by T.
Protein change: p.Glu397Ter; replaces glutamic acid 397 with a stop codon.
Molecular consequence: nonsense. On other transcripts: non-coding transcript variant (5), intron variant (3).
Genome position (GRCh38, 1-based): chr13:100,301,583, G>T. VCF-style: chr13-100301583-G-T. GRCh37 (hg19) VCF-style: chr13-100953837-G-T.
Other names: c.1111G>T, p.Glu371Ter (NM_001127692.3, NM_001352607.2); c.1189G>T, p.Glu397Ter (NM_001178004.2, NM_001352605.2, NM_001352609.2); c.244G>T, p.Glu82Ter (NM_001352610.2, NM_001352611.2); c.1066-1341G>T (NM_001352606.2); c.121-1341G>T (NM_001352612.2); c.988-1341G>T (NM_001352608.2); short protein forms E371*, E397*, E82*.
Identifiers: ClinVar variation 1071149 (VCV001071149.8), dbSNP rs1295357399, ClinGen allele CA388695357.